The following is an entry in ClinVar:

NM_001379291.1(BRD4):c.28A>G (p.Arg10Gly)

Gene: BRD4 (bromodomain containing 4; minus strand). Cytogenetic location: 19p13.12.
Variant type: single nucleotide variant.
Coding change: c.28A>G on transcript NM_001379291.1 (MANE Select); coding-DNA position 28, A replaced by G.
Protein change: p.Arg10Gly; replaces arginine 10 with glycine.
Molecular consequence: missense variant.
Genome position (GRCh38, 1-based): chr19:15,273,072, T>C on the plus strand (A>G on the coding strand, the complement: BRD4 is on the minus strand). VCF-style: chr19-15273072-T-C. GRCh37 (hg19) VCF-style: chr19-15383883-T-C.
Other names: c.28A>G, p.Arg10Gly (NM_001330384.2, NM_001379292.1, NM_014299.3 and 1 more transcripts); short protein forms R10G.
Identifiers: ClinVar variation 3046799 (VCV003046799.2), dbSNP rs2512606655, ClinGen allele CA404490361.

ClinVar aggregate classification (germline): Uncertain significance (0 of 4 stars; one submission).

Conditions:
BRD4-related disorder. Also called: BRD4-related condition.

Submission:

PreventionGenetics, part of Exact Sciences
Classification: Uncertain significance for BRD4-related condition. Last evaluated: 2024-02-07. Review status: no assertion criteria provided. Collection method: clinical testing. Allele origin: germline.
Comment: The BRD4 c.28A>G variant is predicted to result in the amino acid substitution p.Arg10Gly. To our knowledge, this variant has not been reported in the literature or in a large population database, indicating this variant is rare. At this time, the clinical significance of this variant is uncertain due to the absence of conclusive functional and genetic evidence.